The following is an entry in ClinVar:

ClinVar aggregate classification (germline): Uncertain significance. Review status: criteria provided, multiple submitters, no conflicts (2 of 4 stars). 2 submissions from 2 submitters: Uncertain significance (2). Last evaluated 2025-07-22.

Conditions:
Familial thoracic aortic aneurysm and aortic dissection (TAAD). Also called: Thoracic aortic aneurysms and dissections. Identifiers: Orphanet 91387, MedGen C4707243, MONDO:0019625.

Allele frequency attached by ClinVar (database versions not stated): gnomAD exomes below 0.00001.
gnomAD v4.1: 2 of 1,614,206 alleles (0.00012%); highest among the groups gnomAD compares: East Asian, 0.0045%; no homozygotes.

Submissions (2):

Ambry Genetics
Classification: Uncertain significance for Familial thoracic aortic aneurysm and aortic dissection. Last evaluated: 2025-07-22. Review status: criteria provided, single submitter. Criteria: Ambry Variant Classification Scheme 2023. Collection method: clinical testing. Allele origin: germline.
Comment: The p.E1428D variant (also known as c.4284G>T), located in coding exon 30 of the MYH11 gene, results from a G to T substitution at nucleotide position 4284. The glutamic acid at codon 1428 is replaced by aspartic acid, an amino acid with highly similar properties. This amino acid position is conserved. In addition, the in silico prediction for this alteration is inconclusive. Based on the available evidence, the clinical significance of this variant remains unclear.

All of Us Research Program, National Institutes of Health
Classification: Uncertain significance for Familial thoracic aortic aneurysm and aortic dissection. Last evaluated: 2024-07-29. Review status: criteria provided, single submitter. Criteria: ACMG Guidelines, 2015. Collection method: clinical testing. Allele origin: germline. Inheritance: Autosomal dominant inheritance. Observed: 2 variant alleles, 2 heterozygotes.
Comment: This missense variant replaces glutamic acid with aspartic acid at codon 1435 of the MYH11 protein. Computational prediction suggests that this variant may have deleterious impact on protein structure and function (internally defined REVEL score threshold >= 0.7, PMID: 27666373). To our knowledge, functional studies have not been reported for this variant. This variant has not been reported in individuals affected with MYH11-related disorders in the literature. This variant has been identified in 1/251488 chromosomes in the general population by the Genome Aggregation Database (gnomAD). The available evidence is insufficient to determine the role of this variant in disease conclusively. Therefore, this variant is classified as a Variant of Uncertain Significance.

This study involves interpretation of variants in research participants for the purpose of population health screening. Participant phenotype was not available at the time of variant classification. Additional details can be found in publication PMID: 35346344, PMCID: PMC8962531

NM_002474.3(MYH11):c.4284G>T (p.Glu1428Asp)

Genes: MYH11 (myosin heavy chain 11; minus strand), NDE1 (nudE neurodevelopment protein 1; plus strand). Cytogenetic location: 16p13.11.
Variant type: single nucleotide variant.
Coding change: c.4284G>T on transcript NM_002474.3 (MANE Select); coding-DNA position 4284, G replaced by T.
Protein change: p.Glu1428Asp; replaces glutamic acid 1428 with aspartic acid.
Molecular consequence: missense variant.
Genome position (GRCh38, 1-based): chr16:15,724,242, C>A on the plus strand (G>T on the coding strand, the complement: MYH11 is on the minus strand). VCF-style: chr16-15724242-C-A. GRCh37 (hg19) VCF-style: chr16-15818099-C-A.
Other names: c.4305G>T, p.Glu1435Asp (NM_001040113.2, NM_001040114.2); c.4284G>T, p.Glu1428Asp (NM_022844.3); c.999C>A, p.Ser333Arg (NM_001143979.2, NM_017668.3); c.4284G>T (NM_002474.2); short protein forms E1428D, E1435D, S333R.
Identifiers: ClinVar variation 3073460 (VCV003073460.3), dbSNP rs1435099547, ClinGen allele CA394857141.